The following is an entry in ClinVar:

NM_001024630.4(RUNX2):c.884del (p.Pro295fs)

Gene: RUNX2 (RUNX family transcription factor 2; plus strand). Cytogenetic location: 6p21.1.
Variant type: Deletion.
Coding change: c.884del on transcript NM_001024630.4 (MANE Select); coding-DNA position 884, one base deleted (C; older notation c.884delC).
Protein change: p.Pro295fs; shifts the reading frame from proline 295.
Molecular consequence: frameshift variant.
Genome position (GRCh38, 1-based): chr6:45,512,270, C deleted; the last of 4 consecutive C bases (chr6:45,512,267-45,512,270); deleting any one gives the same sequence. VCF-style (leftmost placement, unchanged base first): chr6-45512266-TC-T. GRCh37 (hg19) VCF-style: chr6-45480003-TC-T.
Other names: c.884delC (NM_001024630.4); c.884del, p.Pro295fs (NM_001015051.4); c.842del, p.Pro281fs (NM_001278478.2, NM_001369405.1); short protein forms P281fs, P295fs.
Identifiers: ClinVar variation 1698804 (VCV001698804.2), dbSNP rs2150421218, ClinGen allele CA2573051109.

ClinVar aggregate classification (germline): Pathogenic (1 of 4 stars; one submission).

Conditions:
Cleidocranial dysostosis (CLCD1). Also called: cleidocranial dysplasia 1; Cleidocranial Dysplasia Spectrum Disorder; Marie-Sainton disease. Identifiers: Orphanet 1452, MedGen C0008928, MONDO:0007340, OMIM 119600.

Submission:

Genetics and Molecular Pathology, SA Pathology
Classification: Pathogenic for Cleidocranial dysostosis. Last evaluated: 2022-03-09. Review status: criteria provided, single submitter. Criteria: ACMG Guidelines, 2015. Collection method: clinical testing. Allele origin: germline. Inheritance: Autosomal dominant inheritance. Affected: yes.
Comment: The RUNX2 c.884del variant is classified as PATHOGENIC (PVS1, PS4_Supporting, PS2) This RUNX2 c.884del variant is located in exon 7/9 and is predicted to cause a shift in the reading frame at codon 295 (PVS1). This variant has been reported in a patient with cleidocranial dysplasia (PMID: 10545612; HGMD: CD992745) (PS4_Supporting). This variant is absent from population databases and has not been reported in dbSNP or ClinVar.

Literature cited by the submitters: PubMed 10545612.